The following is an entry in ClinVar:

NM_001112741.2(KCNC1):c.278T>C (p.Phe93Ser)

Gene: KCNC1 (potassium voltage-gated channel subfamily C member 1; plus strand). Cytogenetic location: 11p15.1.
Variant type: single nucleotide variant.
Coding change: c.278T>C on transcript NM_001112741.2 (MANE Select); coding-DNA position 278, T replaced by C.
Protein change: p.Phe93Ser; replaces phenylalanine 93 with serine.
Molecular consequence: missense variant.
Genome position (GRCh38, 1-based): chr11:17,736,280, T>C. VCF-style: chr11-17736280-T-C. GRCh37 (hg19) VCF-style: chr11-17757827-T-C.
Other names: c.278T>C, p.Phe93Ser (NM_004976.4); short protein forms F93S.
Identifiers: ClinVar variation 3343021 (VCV003343021.1).

ClinVar aggregate classification (germline): Uncertain significance (1 of 4 stars; one submission).

Submission:

GeneDx
Classification: Uncertain significance. Last evaluated: 2023-04-07. Review status: criteria provided, single submitter. Criteria: GeneDx Variant Classification Process June 2021. Collection method: clinical testing. Allele origin: germline. Affected: yes.
Comment: Not observed at significant frequency in large population cohorts (gnomAD); In silico analysis supports that this missense variant has a deleterious effect on protein structure/function; Has not been previously published as pathogenic or benign to our knowledge